The following is an entry in ClinVar:

ClinVar aggregate classification (germline): Uncertain significance. Review status: criteria provided, multiple submitters, no conflicts (2 of 4 stars). 4 submissions from 4 submitters: Uncertain significance (3). 1 of the submissions does not count toward it. Last evaluated 2022-08-09.

Conditions:
DOCK8-related disorder. Also called: DOCK8-related condition.
Combined immunodeficiency due to DOCK8 deficiency (HIES2). Also called: HIES autosomal recessive; HYPER-IgE RECURRENT INFECTION SYNDROME 2, AUTOSOMAL RECESSIVE; Hyper-IgE recurrent infection syndrome, autosomal recessive; HYPER-IgE SYNDROME 2, AUTOSOMAL RECESSIVE, WITH RECURRENT INFECTIONS; DOCK8 Deficiency. Identifiers: Orphanet 217390, MedGen C4722305, MONDO:0009478, OMIM 243700.

Allele frequency attached by ClinVar (database versions not stated): gnomAD 0.00008 and 0.00009; TOPMed 0.00011; ExAC 0.00012; gnomAD exomes 0.00017.
gnomAD v4.1: 319 of 1,614,012 alleles (0.02%); highest among the groups gnomAD compares: Middle Eastern, 0.082%; no homozygotes.

Submissions (4):

Labcorp Genetics (formerly Invitae), Labcorp
Classification: Uncertain significance for Combined immunodeficiency due to DOCK8 deficiency. Last evaluated: 2022-08-09. Review status: criteria provided, single submitter. Criteria: Invitae Variant Classification Sherloc (09022015). Collection method: clinical testing. Allele origin: germline.
Comment: This sequence change replaces arginine, which is basic and polar, with cysteine, which is neutral and slightly polar, at codon 1011 of the DOCK8 protein (p.Arg1011Cys). This variant is present in population databases (rs535305490, gnomAD 0.02%). This variant has not been reported in the literature in individuals affected with DOCK8-related conditions. ClinVar contains an entry for this variant (Variation ID: 536597). Algorithms developed to predict the effect of missense changes on protein structure and function (SIFT, PolyPhen-2, Align-GVGD) all suggest that this variant is likely to be disruptive. In summary, the available evidence is currently insufficient to determine the role of this variant in disease. Therefore, it has been classified as a Variant of Uncertain Significance.

Fulgent Genetics
Classification: Uncertain significance for Combined immunodeficiency due to DOCK8 deficiency. Last evaluated: 2021-07-31. Review status: criteria provided, single submitter. Criteria: ACMG Guidelines, 2015. Collection method: clinical testing. Allele origin: unknown.

Illumina Laboratory Services, Illumina
Classification: Uncertain significance for Combined immunodeficiency due to DOCK8 deficiency. Last evaluated: 2018-01-13. Review status: criteria provided, single submitter. Criteria: ICSL Variant Classification Criteria 13 December 2019. Collection method: clinical testing. Allele origin: germline.

PreventionGenetics, part of Exact Sciences
Classification: Uncertain significance for DOCK8-related condition. Last evaluated: 2024-03-23. Review status: no assertion criteria provided. Collection method: clinical testing. Allele origin: germline. Not counted in ClinVar's aggregate classification.
Comment: The DOCK8 c.3031C>T variant is predicted to result in the amino acid substitution p.Arg1011Cys. To our knowledge, this variant has not been reported in the literature. This variant is reported in 0.042% of alleles in individuals of Latino descent in gnomAD. At this time, the clinical significance of this variant is uncertain due to the absence of conclusive functional and genetic evidence.

NM_203447.4(DOCK8):c.3031C>T (p.Arg1011Cys)

Gene: DOCK8 (dedicator of cytokinesis 8; plus strand). Cytogenetic location: 9p24.3.
Variant type: single nucleotide variant.
Coding change: c.3031C>T on transcript NM_203447.4 (MANE Select); coding-DNA position 3031, C replaced by T.
Protein change: p.Arg1011Cys; replaces arginine 1011 with cysteine.
Molecular consequence: missense variant.
Genome position (GRCh38, 1-based): chr9:396,845, C>T. VCF-style: chr9-396845-C-T. GRCh37 (hg19) VCF-style: chr9-396845-C-T.
Other names: c.2731C>T, p.Arg911Cys (NM_001190458.2); c.2827C>T, p.Arg943Cys (NM_001193536.2); short protein forms R1011C, R911C, R943C.
Identifiers: ClinVar variation 536597 (VCV000536597.10), dbSNP rs535305490, ClinGen allele CA4958472.
Genomic context (GRCh38, chr9:396,845, plus strand): 5'-GTGAAAAGCATGGCCCAGCACGTACATAACATGGACAAACGGGACAGTTTTCGGAGGACT[C>T]GTTTTTCTGACCGTTTCATGGATGACATAACTACTATTGTTAATGTGGTCACCTCGGAAA-3'
Protein context (NP_982272.2, residues 1001-1021): MDKRDSFRRT[Arg1011Cys]FSDRFMDDIT